The following is an entry in ClinVar:

NM_006922.4(SCN3A):c.3734A>C (p.Lys1245Thr)

Gene: SCN3A (sodium voltage-gated channel alpha subunit 3; minus strand). Cytogenetic location: 2q24.3.
Variant type: single nucleotide variant.
Coding change: c.3734A>C on transcript NM_006922.4 (MANE Select); coding-DNA position 3734, A replaced by C.
Protein change: p.Lys1245Thr; replaces lysine 1245 with threonine.
Molecular consequence: missense variant.
Genome position (GRCh38, 1-based): chr2:165,112,994, T>G on the plus strand (A>C on the coding strand, the complement: SCN3A is on the minus strand). VCF-style: chr2-165112994-T-G. GRCh37 (hg19) VCF-style: chr2-165969504-T-G.
Other names: c.3587A>C, p.Lys1196Thr (NM_001081676.2, NM_001081677.2); short protein forms K1196T, K1245T.
Identifiers: ClinVar variation 2229532 (VCV002229532.3), dbSNP rs899957128, ClinGen allele CA349032578.

ClinVar aggregate classification (germline): Uncertain significance. Review status: criteria provided, multiple submitters, no conflicts (2 of 4 stars). 2 submissions from 2 submitters: Uncertain significance (2). Last evaluated 2023-05-17.

Conditions:
Inborn genetic diseases. Identifiers: MedGen C0950123, MeSH D030342.

Allele frequency attached by ClinVar (database versions not stated): TOPMed below 0.00001.

Submissions (2):

GeneDx
Classification: Uncertain significance. Last evaluated: 2023-05-17. Review status: criteria provided, single submitter. Criteria: GeneDx Variant Classification Process June 2021. Collection method: clinical testing. Allele origin: germline. Affected: yes.
Comment: Not observed at significant frequency in large population cohorts (gnomAD); In silico analysis supports that this missense variant has a deleterious effect on protein structure/function; Has not been previously published as pathogenic or benign to our knowledge

Ambry Genetics
Classification: Uncertain significance for Inborn genetic diseases. Last evaluated: 2021-03-15. Review status: criteria provided, single submitter. Criteria: Ambry Variant Classification Scheme 2023. Collection method: clinical testing. Allele origin: germline.
Comment: The c.3734A>C (p.K1245T) alteration is located in exon 21 (coding exon 19) of the SCN3A gene. This alteration results from a A to C substitution at nucleotide position 3734, causing the lysine (K) at amino acid position 1245 to be replaced by a threonine (T). The in silico prediction for the p.K1245T alteration is inconclusive. Based on insufficient or conflicting evidence, the clinical significance of this alteration remains unclear.